The following is an entry in ClinVar:

NM_000431.4(MVK):c.1075G>C (p.Ala359Pro)

Gene: MVK (mevalonate kinase; plus strand). Cytogenetic location: 12q24.11.
Variant type: single nucleotide variant.
Coding change: c.1075G>C on transcript NM_000431.4 (MANE Select); coding-DNA position 1075, G replaced by C.
Protein change: p.Ala359Pro; replaces alanine 359 with proline.
Molecular consequence: missense variant. On other transcripts: non-coding transcript variant (4).
Genome position (GRCh38, 1-based): chr12:109,596,461, G>C. VCF-style: chr12-109596461-G-C. GRCh37 (hg19) VCF-style: chr12-110034266-G-C.
Other names: c.1075G>C, p.Ala359Pro (NM_001114185.3, NM_001414511.1); c.930G>C, p.Arg310Ser (NM_001414514.1); c.493G>C, p.Ala165Pro (NM_001414515.1); c.919G>C, p.Ala307Pro (NM_001301182.2); c.1150G>C, p.Ala384Pro (NM_001414512.1); c.1086G>C, p.Arg362Ser (NM_001414513.1); short protein forms A165P, A307P, A359P, A384P, R310S, R362S.
Identifiers: ClinVar variation 3752532 (VCV003752532.2).
Genomic context (GRCh38, chr12:109,596,461, plus strand): 5'-GGTGACCTGCCTTCCCTCCCCGCAGGGCTGGAGCAGCCAGAAGTGGAGGCCACGAAGCAG[G>C]CCCTGACCAGCTGTGGCTTTGACTGCTTGGAAACCAGCATCGGTGCCCCCGGCGTCTCCA-3'
Protein context (NP_000422.1, residues 349-369): EQPEVEATKQ[Ala359Pro]LTSCGFDCLE

ClinVar aggregate classification (germline): Uncertain significance (1 of 4 stars; one submission).

Conditions:
Mevalonic aciduria (MEVA). Identifiers: Orphanet 29, MedGen C1959626, MONDO:0012481, OMIM 610377.
Porokeratosis 3, disseminated superficial actinic type (POROK3). Also called: POROKERATOSIS, DISSEMINATED SUPERFICIAL ACTINIC, 1; POROKERATOSIS 3, MULTIPLE TYPES; POROKERATOSIS 3, MIBELLI TYPE. Identifiers: MedGen C1867981, MONDO:0008293, OMIM 175900.
Hyperimmunoglobulin D with periodic fever (HIDS). Also called: Hyperimmunoglobulinemia D with periodic fever; HYPERIMMUNOGLOBULINEMIA D AND PERIODIC FEVER SYNDROME; Hyperimmunoglobulinemia D. Identifiers: Orphanet 343, MedGen C0398691, MONDO:0009849, OMIM 260920.

Submission:

Labcorp Genetics (formerly Invitae), Labcorp
Classification: Uncertain significance for Mevalonic aciduria; Hyperimmunoglobulin D with periodic fever; Porokeratosis 3, disseminated superficial actinic type. Last evaluated: 2024-02-23. Review status: criteria provided, single submitter. Criteria: Invitae Variant Classification Sherloc (09022015). Collection method: clinical testing. Allele origin: germline.
Comment: This sequence change replaces alanine, which is neutral and non-polar, with proline, which is neutral and non-polar, at codon 359 of the MVK protein (p.Ala359Pro). This variant is not present in population databases (gnomAD no frequency). This variant has not been reported in the literature in individuals affected with MVK-related conditions. Advanced modeling of protein sequence and biophysical properties (such as structural, functional, and spatial information, amino acid conservation, physicochemical variation, residue mobility, and thermodynamic stability) performed at Invitae indicates that this missense variant is not expected to disrupt MVK protein function with a negative predictive value of 80%. In summary, the available evidence is currently insufficient to determine the role of this variant in disease. Therefore, it has been classified as a Variant of Uncertain Significance.